The following is an entry in ClinVar:

ClinVar aggregate classification (germline): Uncertain significance (1 of 4 stars; one submission).

Conditions:
Progressive myoclonic epilepsy type 7. Identifiers: Orphanet 435438, MedGen C4015420, MONDO:0014521, OMIM 616187.

Submission:

Centre for Mendelian Genomics, University Medical Centre Ljubljana
Classification: Uncertain significance for Progressive myoclonic epilepsy type 7. Last evaluated: 2019-12-18. Review status: criteria provided, single submitter. Criteria: ACMG Guidelines, 2015. Collection method: clinical testing. Allele origin: unknown. Affected: yes.
Comment: This variant was classified as: Uncertain significance. The available evidence on this variant's pathogenicity is insufficient or conflicting. The following ACMG criteria were applied in classifying this variant: PM2,BP4.

NM_001112741.2(KCNC1):c.486T>A (p.Asp162Glu)

Gene: KCNC1 (potassium voltage-gated channel subfamily C member 1; plus strand). Cytogenetic location: 11p15.1.
Variant type: single nucleotide variant.
Coding change: c.486T>A on transcript NM_001112741.2 (MANE Select); coding-DNA position 486, T replaced by A.
Protein change: p.Asp162Glu; replaces aspartic acid 162 with glutamic acid.
Molecular consequence: missense variant.
Genome position (GRCh38, 1-based): chr11:17,736,488, T>A. VCF-style: chr11-17736488-T-A. GRCh37 (hg19) VCF-style: chr11-17758035-T-A.
Other names: c.486T>A, p.Asp162Glu (NM_004976.4); short protein forms D162E.
Identifiers: ClinVar variation 930835 (VCV000930835.3), dbSNP rs1436435735, ClinGen allele CA379801753.